The following is an entry in ClinVar:

NM_170784.3(MKKS):c.116C>T (p.Pro39Leu)

Gene: MKKS (MKKS centrosomal shuttling protein; minus strand). Cytogenetic location: 20p12.2.
Variant type: single nucleotide variant.
Coding change: c.116C>T on transcript NM_170784.3 (MANE Select); coding-DNA position 116, C replaced by T.
Protein change: p.Pro39Leu; replaces proline 39 with leucine.
Molecular consequence: missense variant.
Genome position (GRCh38, 1-based): chr20:10,413,399, G>A on the plus strand (C>T on the coding strand, the complement: MKKS is on the minus strand). VCF-style: chr20-10413399-G-A. GRCh37 (hg19) VCF-style: chr20-10394047-G-A.
Other names: c.116C>T, p.Pro39Leu (NM_018848.3); short protein forms P39L.
Identifiers: ClinVar variation 800851 (VCV000800851.7), dbSNP rs1270369106, ClinGen allele CA408233800.

ClinVar aggregate classification (germline): Conflicting classifications of pathogenicity. Review status: criteria provided, conflicting classifications (1 of 4 stars). 6 submissions from 6 submitters: Pathogenic (2); Likely pathogenic (1); Uncertain significance (2). 1 of the submissions does not count toward it. Last evaluated 2024-11-19.

Conditions:
Bardet-Biedl syndrome 6 (BBS6). Identifiers: Orphanet 110, MedGen C1858054, MONDO:0011523, OMIM 605231.
McKusick-Kaufman syndrome (MKKS). Also called: HYDROMETROCOLPOS SYNDROME; HYDROMETROCOLPOS, POSTAXIAL POLYDACTYLY, AND CONGENITAL HEART MALFORMATION. Identifiers: Orphanet 2473, MedGen C0948368, MONDO:0009367, OMIM 236700.
MKKS-related disorder. Also called: MKKS-related condition; MKKS-related disorders.

Allele frequency attached by ClinVar (database versions not stated): gnomAD exomes below 0.00001.
gnomAD v4.1: 3 of 1,612,914 alleles (0.00019%); highest among the groups gnomAD compares: Middle Eastern, 0.017%; no homozygotes.

Submissions (6):

GeneDx
Classification: Pathogenic. Last evaluated: 2024-11-19. Review status: criteria provided, single submitter. Criteria: GeneDx Variant Classification Process June 2021. Collection method: clinical testing. Allele origin: germline. Affected: yes.
Comment: Not observed at significant frequency in large population cohorts (gnomAD); In silico analysis supports that this missense variant has a deleterious effect on protein structure/function; This variant is associated with the following publications: (PMID: 32949114, 22353939, 24488770, 32552793, 27894351, 38927698)

Revvity Omics, Revvity
Classification: Uncertain significance. Last evaluated: 2024-05-28. Review status: criteria provided, single submitter. Criteria: ACMG Guidelines, 2015. Collection method: clinical testing. Allele origin: germline.

Genomic Medicine Center of Excellence, King Faisal Specialist Hospital and Research Centre
Classification: Pathogenic for McKusick-Kaufman syndrome. Last evaluated: 2024-03-17. Review status: criteria provided, single submitter. Criteria: ACMG Guidelines, 2015. Collection method: research. Allele origin: germline.

Daryl Scott Lab, Baylor College of Medicine
Classification: Uncertain significance for MKKS-related disorder. Last evaluated: 2024-01-01. Review status: criteria provided, single submitter. Criteria: ACMG Guidelines, 2015. Collection method: clinical testing. Allele origin: biparental. Observed: 1 homozygote.
Comment: PM2, PP3

Blueprint Genetics
Classification: Likely pathogenic for MKKS-related disorders. Last evaluated: 2021-09-17. Review status: criteria provided, single submitter. Criteria: ACMG Guidelines, 2015. Collection method: clinical testing. Allele origin: germline. Affected: yes. Observed: 1 variant allele.

Biochemical Molecular Genetic Laboratory, King Abdulaziz Medical City
Classification: Pathogenic for Bardet-Biedl syndrome 6. Last evaluated: 2019-08-25. Review status: no assertion criteria provided. Collection method: clinical testing. Allele origin: germline. Affected: yes. Not counted in ClinVar's aggregate classification.